The following is an entry in ClinVar:

NM_001370259.2(MEN1):c.1025C>T (p.Ala342Val)

Gene: MEN1 (menin 1; minus strand). Cytogenetic location: 11q13.1.
Variant type: single nucleotide variant.
Coding change: c.1025C>T on transcript NM_001370259.2 (MANE Select); coding-DNA position 1025, C replaced by T.
Protein change: p.Ala342Val; replaces alanine 342 with valine.
Molecular consequence: missense variant.
Genome position (GRCh38, 1-based): chr11:64,806,256, G>A on the plus strand (C>T on the coding strand, the complement: MEN1 is on the minus strand). VCF-style: chr11-64806256-G-A. GRCh37 (hg19) VCF-style: chr11-64573728-G-A.
Other names: c.1040C>T, p.Ala347Val (NM_000244.4, NM_130800.3, NM_130801.3 and 3 more transcripts); c.1025C>T, p.Ala342Val (NM_001370251.2, NM_001370260.2, NM_001370261.2 and 1 more transcripts); c.920C>T, p.Ala307Val (NM_001370262.2, NM_001370263.2); short protein forms A342V, A347V, A307V.
Identifiers: ClinVar variation 457276 (VCV000457276.15), dbSNP rs377715802, ClinGen allele CA059707.
Genomic context (GRCh38, chr11:64,806,256, plus strand): 5'-AGGACAGGCTGCAGGCCCTAGTAGGGGGATCCTCACTCCTGGATGACAGTGGCCGTGTCC[G>A]CCCAGGCCTGCAGGGCTTCCCGCACATTGCGGTTGCGACAGTGGTAGCCAGCCAGGTACA-3'
Protein context (NP_001357188.2, residues 332-352): RNVREALQAW[Ala342Val]DTATVIQDYN

ClinVar aggregate classification (germline): Uncertain significance. Review status: criteria provided, multiple submitters, no conflicts (2 of 4 stars). 3 submissions from 3 submitters: Uncertain significance (3). Last evaluated 2025-08-21.

Conditions:
Multiple endocrine neoplasia, type 1 (MEN1). Also called: MEN I; WERMER SYNDROME; Endocrine adenomatosis multiple; MEN 1; MEA I. Identifiers: Orphanet 652, MedGen C0025267, MeSH D018761, MONDO:0007540, OMIM 131100.
Hereditary cancer-predisposing syndrome. Also called: Hereditary Cancer Syndrome; Hereditary neoplastic syndrome; Tumor predisposition; Neoplastic Syndromes, Hereditary. Identifiers: Orphanet 140162, MedGen C0027672, MeSH D009386, MONDO:0015356.

Allele frequency attached by ClinVar (database versions not stated): gnomAD exomes below 0.00001 and 0.00001; TOPMed below 0.00001; gnomAD 0.00001; ExAC 0.00002; ESP Exome Variant Server 0.00008.

Submissions (3):

Ambry Genetics
Classification: Uncertain significance for Hereditary cancer-predisposing syndrome. Last evaluated: 2025-08-21. Review status: criteria provided, single submitter. Criteria: Ambry Variant Classification Scheme 2023. Collection method: clinical testing. Allele origin: germline.
Comment: The p.A342V variant (also known as c.1025C>T), located in coding exon 6 of the MEN1 gene, results from a C to T substitution at nucleotide position 1025. The alanine at codon 342 is replaced by valine, an amino acid with similar properties. This amino acid position is conserved. In addition, this alteration is predicted to be deleterious by in silico analysis. Since supporting evidence is limited at this time, the clinical significance of this alteration remains unclear.

Labcorp Genetics (formerly Invitae), Labcorp
Classification: Uncertain significance for Multiple endocrine neoplasia, type 1. Last evaluated: 2025-03-03. Review status: criteria provided, single submitter. Criteria: Invitae Variant Classification Sherloc (09022015). Collection method: clinical testing. Allele origin: germline.
Comment: This sequence change replaces alanine, which is neutral and non-polar, with valine, which is neutral and non-polar, at codon 342 of the MEN1 protein (p.Ala342Val). This variant is present in population databases (rs377715802, gnomAD 0.0009%). This variant has not been reported in the literature in individuals affected with MEN1-related conditions. ClinVar contains an entry for this variant (Variation ID: 457276). Invitae Evidence Modeling of protein sequence and biophysical properties (such as structural, functional, and spatial information, amino acid conservation, physicochemical variation, residue mobility, and thermodynamic stability) indicates that this missense variant is expected to disrupt MEN1 protein function with a positive predictive value of 80%. In summary, the available evidence is currently insufficient to determine the role of this variant in disease. Therefore, it has been classified as a Variant of Uncertain Significance.

Baylor Genetics
Classification: Uncertain significance for Multiple Endocrine Neoplasia Type 1. Last evaluated: 2023-06-28. Review status: criteria provided, single submitter. Criteria: ACMG Guidelines, 2015. Collection method: clinical testing. Allele origin: unknown.